The following is an entry in ClinVar:

NM_000474.4(TWIST1):c.475C>T (p.Leu159Phe)

Genes: TWIST1 (twist family bHLH transcription factor 1; minus strand), LOC129998021 (ATAC-STARR-seq lymphoblastoid active region 25682; plus strand). Cytogenetic location: 7p21.1.
Variant type: single nucleotide variant.
Coding change: c.475C>T on transcript NM_000474.4 (MANE Select); coding-DNA position 475, C replaced by T.
Protein change: p.Leu159Phe; replaces leucine 159 with phenylalanine.
Molecular consequence: missense variant. On other transcripts: non-coding transcript variant (1).
Genome position (GRCh38, 1-based): chr7:19,116,847, G>A on the plus strand (C>T on the coding strand, the complement: TWIST1 is on the minus strand). VCF-style: chr7-19116847-G-A. GRCh37 (hg19) VCF-style: chr7-19156470-G-A.
Other names: short protein forms L159F.
Identifiers: ClinVar variation 572211 (VCV000572211.10), dbSNP rs1563159945, ClinGen allele CA367015355.

ClinVar aggregate classification (germline): Pathogenic (1 of 4 stars; one submission).

Conditions:
Saethre-Chotzen syndrome (SCS). Also called: ACROCEPHALY, SKULL ASYMMETRY, AND MILD SYNDACTYLY; ACS III; CHOTZEN SYNDROME. Identifiers: Orphanet 794, MedGen C0175699, MONDO:0007042, OMIM 101400.
TWIST1-related craniosynostosis (CRS1). Also called: CRANIOSYNOSTOSIS 1. Identifiers: Orphanet 63440, MedGen C4551902, MONDO:0007399, OMIM 123100. Inheritance: Heterogenous inheritance pattern.

Submission:

Labcorp Genetics (formerly Invitae), Labcorp
Classification: Pathogenic for TWIST1-related craniosynostosis; Saethre-Chotzen syndrome. Last evaluated: 2022-06-07. Review status: criteria provided, single submitter. Criteria: Invitae Variant Classification Sherloc (09022015). Collection method: clinical testing. Allele origin: germline.
Comment: ClinVar contains an entry for this variant (Variation ID: 572211). Algorithms developed to predict the effect of missense changes on protein structure and function are either unavailable or do not agree on the potential impact of this missense change (SIFT: "Deleterious"; PolyPhen-2: "Probably Damaging"; Align-GVGD: "Class C0"). Experimental studies have shown that this missense change affects TWIST1 function (PMID: 10749989). For these reasons, this variant has been classified as Pathogenic. This missense change has been observed in individual(s) with craniosynostosis and/or Saethre-Chotzen syndrome (PMID: 10094188; Invitae). It has also been observed to segregate with disease in related individuals. This sequence change replaces leucine, which is neutral and non-polar, with phenylalanine, which is neutral and non-polar, at codon 159 of the TWIST1 protein (p.Leu159Phe). This variant is not present in population databases (gnomAD no frequency).

Literature cited by the submitters: PubMed 10749989; PubMed 10094188.